The following is an entry in ClinVar:

NM_001205293.3(CACNA1E):c.1255C>T (p.Arg419Trp)

Gene: CACNA1E (calcium voltage-gated channel subunit alpha1 E; plus strand). Cytogenetic location: 1q25.3.
Variant type: single nucleotide variant.
Coding change: c.1255C>T on transcript NM_001205293.3 (MANE Select); coding-DNA position 1255, C replaced by T.
Protein change: p.Arg419Trp; replaces arginine 419 with tryptophan.
Molecular consequence: missense variant.
Genome position (GRCh38, 1-based): chr1:181,716,069, C>T. VCF-style: chr1-181716069-C-T. GRCh37 (hg19) VCF-style: chr1-181685205-C-T.
Other names: c.1255C>T, p.Arg419Trp (NM_000721.4, NM_001205294.2); short protein forms R419W.
Identifiers: ClinVar variation 1339617 (VCV001339617.5), dbSNP rs377231001, ClinGen allele CA1275084.
Genomic context (GRCh38, chr1:181,716,069, plus strand): 5'-CTCTCACTGGTCTTCCCTTTCCCTGATGCAGTGCTTCGAAGGGCAACCATCAAGAGGAGC[C>T]GGACAGAGGCCATGACTCGAGACTCCAGTGATGAGCACTGTGTTGATATCTCCTCTGTGG-3'
Protein context (NP_001192222.1, residues 409-429): VLRRATIKRS[Arg419Trp]TEAMTRDSSD

ClinVar aggregate classification (germline): Uncertain significance. Review status: criteria provided, multiple submitters, no conflicts (2 of 4 stars). 2 submissions from 2 submitters: Uncertain significance (2). Last evaluated 2023-10-29.

Allele frequency attached by ClinVar (database versions not stated): ExAC 0.00004; ESP Exome Variant Server 0.00008.

Submissions (2):

Labcorp Genetics (formerly Invitae), Labcorp
Classification: Uncertain significance. Last evaluated: 2023-10-29. Review status: criteria provided, single submitter. Criteria: Invitae Variant Classification Sherloc (09022015). Collection method: clinical testing. Allele origin: germline.
Comment: This sequence change replaces arginine, which is basic and polar, with tryptophan, which is neutral and slightly polar, at codon 419 of the CACNA1E protein (p.Arg419Trp). The frequency data for this variant in the population databases is considered unreliable, as metrics indicate poor data quality at this position in the gnomAD database. This variant has not been reported in the literature in individuals affected with CACNA1E-related conditions. ClinVar contains an entry for this variant (Variation ID: 1339617). Advanced modeling of protein sequence and biophysical properties (such as structural, functional, and spatial information, amino acid conservation, physicochemical variation, residue mobility, and thermodynamic stability) has been performed at Invitae for this missense variant, however the output from this modeling did not meet the statistical confidence thresholds required to predict the impact of this variant on CACNA1E protein function. In summary, the available evidence is currently insufficient to determine the role of this variant in disease. Therefore, it has been classified as a Variant of Uncertain Significance.

GeneDx
Classification: Uncertain significance. Last evaluated: 2021-08-06. Review status: criteria provided, single submitter. Criteria: GeneDx Variant Classification Process June 2021. Collection method: clinical testing. Allele origin: germline. Affected: yes.
Comment: Has not been previously published as pathogenic or benign to our knowledge; In silico analysis supports that this missense variant has a deleterious effect on protein structure/function